The following is an entry in ClinVar:

NM_007294.4(BRCA1):c.5333-254A>G

Gene: BRCA1 (BRCA1 DNA repair associated; minus strand). Cytogenetic location: 17q21.31.
Variant type: single nucleotide variant.
Coding change: c.5333-254A>G on transcript NM_007294.4 (MANE Select); 254 bases into the intron before coding-DNA position 5333, A replaced by G.
Molecular consequence: intron variant.
Genome position (GRCh38, 1-based): chr17:43,049,448, T>C on the plus strand (A>G on the coding strand, the complement: BRCA1 is on the minus strand). VCF-style: chr17-43049448-T-C. GRCh37 (hg19) VCF-style: chr17-41201465-T-C.
Other names: IVS 21-254A>G; c.5327-254A>G (NM_001407637.1, NM_001407641.1, NM_001407629.1 and 13 more transcripts); c.5329+1615A>G (NM_001407860.1, NM_001407858.1, NM_001407859.1); c.5330-254A>G (NM_001407611.1, NM_001407624.1, NM_001407616.1 and 14 more transcripts); c.5393-254A>G (NM_001407590.1, NM_001407591.1); c.1898-254A>G (NM_001408443.1, NM_001408439.1, NM_001408434.1 and 10 more transcripts); c.1901-254A>G (NM_001408425.1, NM_001408428.1, NM_001408429.1 and 4 more transcripts); c.5204-254A>G (NM_001407681.1, NM_001407687.1, NM_001407683.1 and 5 more transcripts); and 85 more.
Identifiers: ClinVar variation 209250 (VCV000209250.4), dbSNP rs8176303, ClinGen allele CA276222.

ClinVar aggregate classification (germline): Benign. Review status: reviewed by expert panel (3 of 4 stars). 2 submissions from 2 submitters: Benign (1). 1 of the submissions does not count toward it. Last evaluated 2015-01-12.

Conditions:
Hereditary cancer-predisposing syndrome. Also called: Tumor predisposition; Hereditary Cancer Syndrome; Neoplastic Syndromes, Hereditary; Hereditary neoplastic syndrome. Identifiers: Orphanet 140162, MedGen C0027672, MeSH D009386, MONDO:0015356.
Breast-ovarian cancer, familial, susceptibility to, 1 (BROVCA1). Also called: BRCA1 Hereditary Breast and Ovarian Cancer; OVARIAN CANCER, SUSCEPTIBILITY TO. Identifiers: Orphanet 145, MedGen C2676676, MONDO:0011450, OMIM 604370. Disease mechanism: loss of function.

Allele frequency attached by ClinVar (database versions not stated): gnomAD 0.00095 and 0.00149; TOPMed 0.00165; 1000 Genomes Project 30x 0.00906; 1000 Genomes Project 0.00938.
gnomAD v4.1: 227 of 152,222 alleles (0.15%); highest among the groups gnomAD compares: East Asian, 4.1%; 4 homozygotes.

Submissions (2):

Evidence-based Network for the Interpretation of Germline Mutant Alleles (ENIGMA)
Classification: Benign for Breast-ovarian cancer, familial 1. Last evaluated: 2015-01-12. Review status: reviewed by expert panel. Criteria: ENIGMA BRCA1/2 Classification Criteria (2015). Collection method: curation. Allele origin: germline.
Comment: Class 1 not pathogenic based on frequency >1% in an outbred sampleset. Frequency 0.04371 (Asian), derived from 1000 genomes (2012-04-30).

Color Diagnostics, LLC DBA Color Health
Classification: Benign for Hereditary cancer-predisposing syndrome. Last evaluated: 2015-04-27. Review status: criteria provided, single submitter. Criteria: ACMG Guidelines, 2015. Collection method: clinical testing. Allele origin: germline. Not counted in ClinVar's aggregate classification.